The following is an entry in ClinVar:

ClinVar aggregate classification (germline): Uncertain significance (1 of 4 stars; one submission).

Conditions:
Charcot-Marie-Tooth disease dominant intermediate F. Identifiers: Orphanet 352670, MedGen C4749463, MONDO:0014074, OMIM 615185.

Allele frequency attached by ClinVar (database versions not stated): TOPMed below 0.00001; gnomAD 0.00001.
gnomAD v4.1: 1 of 1,608,622 alleles (0.000062%); highest among the groups gnomAD compares: Non-Finnish European, 0.000085%; no homozygotes.

Submission:

Labcorp Genetics (formerly Invitae), Labcorp
Classification: Uncertain significance for Charcot-Marie-Tooth disease dominant intermediate F. Last evaluated: 2023-07-10. Review status: criteria provided, single submitter. Criteria: Invitae Variant Classification Sherloc (09022015). Collection method: clinical testing. Allele origin: germline.
Comment: In summary, the available evidence is currently insufficient to determine the role of this variant in disease. Therefore, it has been classified as a Variant of Uncertain Significance. Advanced modeling of protein sequence and biophysical properties (such as structural, functional, and spatial information, amino acid conservation, physicochemical variation, residue mobility, and thermodynamic stability) performed at Invitae indicates that this missense variant is expected to disrupt GNB4 protein function. ClinVar contains an entry for this variant (Variation ID: 576474). This variant has not been reported in the literature in individuals affected with GNB4-related conditions. This variant is not present in population databases (gnomAD no frequency). This sequence change replaces leucine, which is neutral and non-polar, with proline, which is neutral and non-polar, at codon 308 of the GNB4 protein (p.Leu308Pro).

NM_021629.4(GNB4):c.923T>C (p.Leu308Pro)

Gene: GNB4 (G protein subunit beta 4; minus strand). Cytogenetic location: 3q26.33.
Variant type: single nucleotide variant.
Coding change: c.923T>C on transcript NM_021629.4 (MANE Select); coding-DNA position 923, T replaced by C.
Protein change: p.Leu308Pro; replaces leucine 308 with proline.
Molecular consequence: missense variant.
Genome position (GRCh38, 1-based): chr3:179,401,313, A>G on the plus strand (T>C on the coding strand, the complement: GNB4 is on the minus strand). VCF-style: chr3-179401313-A-G. GRCh37 (hg19) VCF-style: chr3-179119101-A-G.
Other names: short protein forms L308P.
Identifiers: ClinVar variation 576474 (VCV000576474.8), dbSNP rs1168008697, ClinGen allele CA355293346.